The following is an entry in ClinVar:

ClinVar aggregate classification (germline): Uncertain significance (1 of 4 stars; one submission).

Conditions:
Werner syndrome (WRN). Identifiers: Orphanet 902, MedGen C0043119, MONDO:0010196, OMIM 277700.

Allele frequency attached by ClinVar (database versions not stated): gnomAD exomes below 0.00001 and 0.00001; ExAC 0.00001; gnomAD 0.00001; 1000 Genomes Project 30x 0.00016; 1000 Genomes Project 0.00020.
gnomAD v4.1: 4 of 1,614,134 alleles (0.00025%); highest among the groups gnomAD compares: South Asian, 0.0033%; no homozygotes.

Submission:

Labcorp Genetics (formerly Invitae), Labcorp
Classification: Uncertain significance for Werner syndrome. Last evaluated: 2024-03-17. Review status: criteria provided, single submitter. Criteria: Invitae Variant Classification Sherloc (09022015). Collection method: clinical testing. Allele origin: germline.
Comment: This sequence change replaces valine, which is neutral and non-polar, with alanine, which is neutral and non-polar, at codon 1195 of the WRN protein (p.Val1195Ala). This variant is present in population databases (rs550252124, gnomAD 0.003%). This variant has not been reported in the literature in individuals affected with WRN-related conditions. ClinVar contains an entry for this variant (Variation ID: 458462). An algorithm developed to predict the effect of missense changes on protein structure and function (PolyPhen-2) suggests that this variant is likely to be tolerated. In summary, the available evidence is currently insufficient to determine the role of this variant in disease. Therefore, it has been classified as a Variant of Uncertain Significance.

NM_000553.6(WRN):c.3584T>C (p.Val1195Ala)

Gene: WRN (WRN RecQ like helicase; plus strand). Cytogenetic location: 8p12.
Variant type: single nucleotide variant.
Coding change: c.3584T>C on transcript NM_000553.6 (MANE Select); coding-DNA position 3584, T replaced by C.
Protein change: p.Val1195Ala; replaces valine 1195 with alanine.
Molecular consequence: missense variant.
Genome position (GRCh38, 1-based): chr8:31,150,352, T>C. VCF-style: chr8-31150352-T-C. GRCh37 (hg19) VCF-style: chr8-31007868-T-C.
Other names: short protein forms V1195A.
Identifiers: ClinVar variation 458462 (VCV000458462.7), dbSNP rs550252124, ClinGen allele CA4705125.
Genomic context (GRCh38, chr8:31,150,352, plus strand): 5'-AGTGGTTTCTTGACCTTTTTGTTGTTGTTGTTGTTGTTGTTAAACACAGACCAACTACGG[T>C]TGAAAACGTAAAAAGGATTGATGGTGTTTCTGAAGGCAAAGCTGCCATGTTGGCCCCTCT-3'
Protein context (NP_000544.2, residues 1185-1205): VDMAKMRPTT[Val1195Ala]ENVKRIDGVS